The following is an entry in ClinVar:

NM_000817.3(GAD1):c.865C>T (p.Gln289Ter)

Gene: GAD1 (glutamate decarboxylase 1; plus strand). Cytogenetic location: 2q31.1.
Variant type: single nucleotide variant.
Coding change: c.865C>T on transcript NM_000817.3 (MANE Select); coding-DNA position 865, C replaced by T.
Protein change: p.Gln289Ter; replaces glutamine 289 with a stop codon.
Molecular consequence: nonsense.
Genome position (GRCh38, 1-based): chr2:170,845,619, C>T. VCF-style: chr2-170845619-C-T. GRCh37 (hg19) VCF-style: chr2-171702129-C-T.
Other names: short protein forms Q289*.
Identifiers: ClinVar variation 565722 (VCV000565722.10), dbSNP rs1181224255, ClinGen allele CA349259109.

ClinVar aggregate classification (germline): Pathogenic. Review status: criteria provided, multiple submitters, no conflicts (2 of 4 stars). 2 submissions from 2 submitters: Pathogenic (2). Last evaluated 2024-12-19.

Conditions:
Developmental and epileptic encephalopathy 89. Identifiers: MedGen C5436853, MONDO:0030856, OMIM 619124.
Neurodevelopmental disorder with progressive spasticity and brain white matter abnormalities. Also called: CEREBRAL PALSY, SPASTIC QUADRIPLEGIC, 1. Identifiers: Orphanet 210141, Orphanet 641353, MedGen C5436628, MONDO:0033613, OMIM 619026.

Submissions (2):

Genomic Medicine Center of Excellence, King Faisal Specialist Hospital and Research Centre
Classification: Pathogenic for Developmental and epileptic encephalopathy 89. Last evaluated: 2024-12-19. Review status: criteria provided, single submitter. Criteria: ACMG Guidelines, 2015. Collection method: clinical testing. Allele origin: germline.

Labcorp Genetics (formerly Invitae), Labcorp
Classification: Pathogenic for Neurodevelopmental disorder with progressive spasticity and brain white matter abnormalities. Last evaluated: 2021-05-19. Review status: criteria provided, single submitter. Criteria: Invitae Variant Classification Sherloc (09022015). Collection method: clinical testing. Allele origin: germline.
Comment: This variant has not been reported in the literature in individuals with GAD1-related conditions. For these reasons, this variant has been classified as Pathogenic. This variant is not present in population databases (ExAC no frequency). This sequence change creates a premature translational stop signal (p.Gln289*) in the GAD1 gene. It is expected to result in an absent or disrupted protein product. Loss-of-function variants in GAD1 are known to be pathogenic (PMID: 32282878, 32705143).

Literature cited by the submitters: PubMed 32282878 (cited by Labcorp Genetics (formerly Invitae), Labcorp); PubMed 32705143 (cited by Labcorp Genetics (formerly Invitae), Labcorp).